The following is an entry in ClinVar:

ClinVar aggregate classification (germline): Uncertain significance. Review status: criteria provided, multiple submitters, no conflicts (2 of 4 stars). 4 submissions from 4 submitters: Uncertain significance (4). Last evaluated 2024-09-11.

Conditions:
Hereditary pancreatitis (PCTT). Also called: Hereditary chronic pancreatitis; PRSS1-Related Hereditary Pancreatitis. Identifiers: Orphanet 676, MedGen C0238339, MONDO:0008185, OMIM 167800.

Allele frequency attached by ClinVar (database versions not stated): gnomAD 0.00001; TOPMed 0.00001; ExAC 0.00002; gnomAD exomes 0.00002 and 0.00004.
gnomAD v4.1: 62 of 1,614,072 alleles (0.0038%); highest among the groups gnomAD compares: Middle Eastern, 0.016%; no homozygotes.

Submissions (4):

Ambry Genetics
Classification: Uncertain significance for Hereditary pancreatitis. Last evaluated: 2024-09-11. Review status: criteria provided, single submitter. Criteria: Ambry Variant Classification Scheme 2023. Collection method: clinical testing. Allele origin: germline.

ARUP Laboratories, Molecular Genetics and Genomics, ARUP Laboratories
Classification: Uncertain significance for Hereditary pancreatitis. Last evaluated: 2024-01-08. Review status: criteria provided, single submitter. Criteria: ARUP Molecular Germline Variant Investigation Process 2024. Collection method: clinical testing. Allele origin: germline.
Comment: The CTRC c.569A>G; p.Asp190Gly variant (rs765613993), to our knowledge, is not reported in the medical literature but is reported in ClinVar (Variation ID: 547291). This variant is found in the non-Finnish European population with an allele frequency of 0.004% (5/129132 alleles) in the Genome Aggregation Database (v2.1.1). Computational analyses are uncertain whether this variant is neutral or deleterious (REVEL: 0.569). Due to limited information, the clinical significance of this variant is uncertain at this time.

Labcorp Genetics (formerly Invitae), Labcorp
Classification: Uncertain significance for Hereditary pancreatitis. Last evaluated: 2023-09-12. Review status: criteria provided, single submitter. Criteria: Invitae Variant Classification Sherloc (09022015). Collection method: clinical testing. Allele origin: germline.
Comment: In summary, the available evidence is currently insufficient to determine the role of this variant in disease. Therefore, it has been classified as a Variant of Uncertain Significance. An algorithm developed to predict the effect of missense changes on protein structure and function (PolyPhen-2) suggests that this variant is likely to be tolerated. This sequence change replaces aspartic acid, which is acidic and polar, with glycine, which is neutral and non-polar, at codon 190 of the CTRC protein (p.Asp190Gly). This variant is present in population databases (rs765613993, gnomAD 0.004%). This variant has not been reported in the literature in individuals affected with CTRC-related conditions. ClinVar contains an entry for this variant (Variation ID: 547291).

Center for Human Genetics, Inc
Classification: Uncertain significance for Hereditary pancreatitis. Last evaluated: 2016-11-01. Review status: criteria provided, single submitter. Criteria: ACMG Guidelines, 2015. Collection method: clinical testing. Allele origin: germline. Affected: yes.

NM_007272.3(CTRC):c.569A>G (p.Asp190Gly)

Gene: CTRC (chymotrypsin C; plus strand). Cytogenetic location: 1p36.21.
Variant type: single nucleotide variant.
Coding change: c.569A>G on transcript NM_007272.3 (MANE Select); coding-DNA position 569, A replaced by G.
Protein change: p.Asp190Gly; replaces aspartic acid 190 with glycine.
Molecular consequence: missense variant.
Genome position (GRCh38, 1-based): chr1:15,444,681, A>G. VCF-style: chr1-15444681-A-G. GRCh37 (hg19) VCF-style: chr1-15771176-A-G.
Other names: short protein forms D190G.
Identifiers: ClinVar variation 547291 (VCV000547291.18), dbSNP rs765613993, ClinGen allele CA613386.